The following is an entry in ClinVar:

ClinVar aggregate classification (germline): Likely benign (1 of 4 stars; one submission).

Allele frequency attached by ClinVar (database versions not stated): gnomAD 0.00001.

Submission:

GeneDx
Classification: Likely benign. Last evaluated: 2017-02-23. Review status: criteria provided, single submitter. Criteria: GeneDx Variant Classification (06012015). Collection method: clinical testing. Allele origin: germline. Affected: yes.
Comment: This variant is considered likely benign or benign based on one or more of the following criteria: it is a conservative change, it occurs at a poorly conserved position in the protein, it is predicted to be benign by multiple in silico algorithms, and/or has population frequency not consistent with disease.

NM_007255.3(B4GALT7):c.-31C>T

Genes: B4GALT7 (beta-1,4-galactosyltransferase 7; plus strand), LOC129995400 (ATAC-STARR-seq lymphoblastoid silent region 16704; plus strand). Cytogenetic location: 5q35.3.
Variant type: single nucleotide variant.
Coding change: c.-31C>T on transcript NM_007255.3 (MANE Select); 31 bases upstream of the start codon, C replaced by T.
Molecular consequence: 5 prime UTR variant.
Genome position (GRCh38, 1-based): chr5:177,600,180, C>T. VCF-style: chr5-177600180-C-T. GRCh37 (hg19) VCF-style: chr5-177027181-C-T.
Identifiers: ClinVar variation 507572 (VCV000507572.1), dbSNP rs1294064626, ClinGen allele CA564518081.
Genomic context (GRCh38, chr5:177,600,180, plus strand): 5'-GGAGCGGGAGGCGGAGGCGCCGCGTAGGCCCGGGAGGCCGGGCCGGCCGGGCTGCGAGCG[C>T]CTGCCCCATGCGCCGCCGCCTCTCCGCACGATGTTCCCCTCGCGGAGGAAAGCGGCGCAG-3'